The following is an entry in ClinVar:

NM_000540.3(RYR1):c.12310G>A (p.Gly4104Ser)

Gene: RYR1 (ryanodine receptor 1; plus strand). Cytogenetic location: 19q13.2.
Variant type: single nucleotide variant.
Coding change: c.12310G>A on transcript NM_000540.3 (MANE Select); coding-DNA position 12310, G replaced by A.
Protein change: p.Gly4104Ser; replaces glycine 4104 with serine.
Molecular consequence: missense variant.
Genome position (GRCh38, 1-based): chr19:38,561,140, G>A. VCF-style: chr19-38561140-G-A. GRCh37 (hg19) VCF-style: chr19-39051780-G-A.
Other names: c.12310G>A (NM_000540.2); c.12295G>A, p.Gly4099Ser (NM_001042723.2); short protein forms G4099S, G4104S.
Identifiers: ClinVar variation 1400496 (VCV001400496.9), dbSNP rs769120898, ClinGen allele CA058681.

ClinVar aggregate classification (germline): Uncertain significance. Review status: criteria provided, multiple submitters, no conflicts (2 of 4 stars). 5 submissions from 5 submitters: Uncertain significance (5). Last evaluated 2025-10-13.

Conditions:
Central core myopathy (CMYO1A). Also called: Central core disease; Myopathy, central fibrillar; CONGENITAL MYOPATHY 1A, AUTOSOMAL DOMINANT, WITH SUSCEPTIBILITY TO MALIGNANT HYPERTHERMIA. Identifiers: Orphanet 597, MedGen C5830701, MONDO:0007294, OMIM 117000.
Congenital multicore myopathy with external ophthalmoplegia (CMYO1B). Also called: Minicore myopathy with external ophthalmoplegia; Congenital myopathy 1B, autosomal recessive; Minicore myopathy; MULTICORE MYOPATHY; MULTIMINICORE DISEASE WITH EXTERNAL OPHTHALMOPLEGIA. Identifiers: Orphanet 598, Orphanet 98905, MedGen C1850674, MONDO:0009712, OMIM 255320, HP:0003789.
King Denborough syndrome (KDS). Identifiers: MedGen C1840365, MONDO:0020485, OMIM 619542.
Congenital myopathy with fiber type disproportion. Also called: Congenital fiber-type disproportion myopathy; Congenital fiber-type disproportion. Identifiers: Orphanet 2020, MedGen C0546264, MONDO:0009711. Inheritance: all.
Malignant hyperthermia, susceptibility to, 1 (MHS1). Also called: Anesthesia related hyperthermia; Malignant hyperpyrexia; Fulminating hyperpyrexia; Pharmacogenic myopathy; Malignant hyperthermia suceptibility 1; RYR1-Related Malignant Hyperthermia Susceptibility. Identifiers: Orphanet 423, MedGen C2930980, MONDO:0007783, OMIM 145600.
RYR1-related disorder. Also called: RYR1-related condition; RYR1-related disorders. Identifiers: MedGen CN239331.

Allele frequency attached by ClinVar (database versions not stated): gnomAD exomes 0.00004; ExAC 0.00006.
gnomAD v4.1: 48 of 1,613,924 alleles (0.003%); highest among the groups gnomAD compares: Middle Eastern, 0.049%; no homozygotes.

Submissions (5):

Labcorp Genetics (formerly Invitae), Labcorp
Classification: Uncertain significance for RYR1-related disorder. Last evaluated: 2025-10-13. Review status: criteria provided, single submitter. Criteria: Invitae Variant Classification Sherloc (09022015). Collection method: clinical testing. Allele origin: germline.
Comment: This sequence change replaces glycine, which is neutral and non-polar, with serine, which is neutral and polar, at codon 4104 of the RYR1 protein (p.Gly4104Ser). This variant is present in population databases (rs769120898, gnomAD 0.009%). This variant has not been reported in the literature in individuals affected with RYR1-related conditions. ClinVar contains an entry for this variant (Variation ID: 1400496). Invitae Evidence Modeling of protein sequence and biophysical properties (such as structural, functional, and spatial information, amino acid conservation, physicochemical variation, residue mobility, and thermodynamic stability) indicates that this missense variant is not expected to disrupt RYR1 protein function with a negative predictive value of 80%. In summary, the available evidence is currently insufficient to determine the role of this variant in disease. Therefore, it has been classified as a Variant of Uncertain Significance.

PreventionGenetics, part of Exact Sciences
Classification: Uncertain significance for RYR1-related condition. Last evaluated: 2024-12-15. Review status: criteria provided, single submitter. Criteria: ACMG Guidelines, 2015. Collection method: clinical testing. Allele origin: germline.
Comment: The RYR1 c.12310G>A variant is predicted to result in the amino acid substitution p.Gly4104Ser. To our knowledge, this variant has not been reported in the literature. This variant is reported in 0.0080% of alleles in individuals of European (Finnish) descent in gnomAD. At this time, the clinical significance of this variant is uncertain due to the absence of conclusive functional and genetic evidence.

Color Diagnostics, LLC DBA Color Health
Classification: Uncertain significance for Malignant hyperthermia, susceptibility to, 1. Last evaluated: 2024-03-06. Review status: criteria provided, single submitter. Criteria: ACMG Guidelines, 2015. Collection method: clinical testing. Allele origin: germline.
Comment: This missense variant replaces glycine with serine at codon 4104 of the RYR1 protein. Computational prediction suggests that this variant may not impact protein structure and function. To our knowledge, functional studies have not been reported for this variant. This variant has not been reported in individuals affected with RYR1-related disorders in the literature. This variant has not been identified in the general population by the Genome Aggregation Database (gnomAD). The available evidence is insufficient to determine the role of this variant in disease conclusively. Therefore, this variant is classified as a Variant of Uncertain Significance.

Revvity Omics, Revvity
Classification: Uncertain significance. Last evaluated: 2023-05-16. Review status: criteria provided, single submitter. Criteria: ACMG Guidelines, 2015. Collection method: clinical testing. Allele origin: germline.

Fulgent Genetics
Classification: Uncertain significance for Central core myopathy; Malignant hyperthermia, susceptibility to, 1; Congenital myopathy 4A, autosomal dominant; Congenital multicore myopathy with external ophthalmoplegia; King Denborough syndrome. Last evaluated: 2021-08-02. Review status: criteria provided, single submitter. Criteria: ACMG Guidelines, 2015. Collection method: clinical testing. Allele origin: unknown.